The following is an entry in ClinVar:

NM_001851.6(COL9A1):c.2317C>T (p.His773Tyr)

Gene: COL9A1 (collagen type IX alpha 1 chain; minus strand). Cytogenetic location: 6q13.
Variant type: single nucleotide variant.
Coding change: c.2317C>T on transcript NM_001851.6 (MANE Select); coding-DNA position 2317, C replaced by T.
Protein change: p.His773Tyr; replaces histidine 773 with tyrosine.
Molecular consequence: missense variant. On other transcripts: non-coding transcript variant (1).
Genome position (GRCh38, 1-based): chr6:70,232,769, G>A on the plus strand (C>T on the coding strand, the complement: COL9A1 is on the minus strand). VCF-style: chr6-70232769-G-A. GRCh37 (hg19) VCF-style: chr6-70942472-G-A.
Other names: c.1618C>T, p.His540Tyr (NM_001377289.1); c.1441C>T, p.His481Tyr (NM_001377290.1); c.1588C>T, p.His530Tyr (NM_078485.4); short protein forms H530Y, H540Y, H773Y, H481Y.
Identifiers: ClinVar variation 4709057 (VCV004709057.1).

ClinVar aggregate classification (germline): Uncertain significance (1 of 4 stars; one submission).

gnomAD v4.1: 3 of 1,610,794 alleles (0.00019%); highest among the groups gnomAD compares: Non-Finnish European, 0.00017%; no homozygotes.

Submission:

Labcorp Genetics (formerly Invitae), Labcorp
Classification: Uncertain significance. Last evaluated: 2025-04-22. Review status: criteria provided, single submitter. Criteria: Invitae Variant Classification Sherloc (09022015). Collection method: clinical testing. Allele origin: germline.
Comment: This sequence change replaces histidine, which is basic and polar, with tyrosine, which is neutral and polar, at codon 773 of the COL9A1 protein (p.His773Tyr). This variant is not present in population databases (gnomAD no frequency). This variant has not been reported in the literature in individuals affected with COL9A1-related conditions. An algorithm developed to predict the effect of missense changes on protein structure and function (PolyPhen-2) suggests that this variant is likely to be disruptive. In summary, the available evidence is currently insufficient to determine the role of this variant in disease. Therefore, it has been classified as a Variant of Uncertain Significance.